The following is an entry in ClinVar:

ClinVar aggregate classification (germline): Likely pathogenic (1 of 4 stars; one submission).

Conditions:
Zellweger spectrum disorders (ZS). Also called: Zellweger Spectrum Disorder (ZSD); Zellweger syndrome; Zellweger Spectrum Disorder; Zellweger Spectrum. Identifiers: Orphanet 912, MedGen C0043459, MONDO:0019609.

Submission:

Natera, Inc.
Classification: Likely pathogenic for Zellweger syndrome. Last evaluated: 2024-11-27. Review status: criteria provided, single submitter. Criteria: Natera Variant Classification Schema (03/2026). Collection method: clinical testing. Allele origin: germline.
Comment: The c.2417-1_2417del variant in PEX1 is a canonical splice acceptor site variant predicted to affect pre-mRNA splicing, which may result in an abnormal transcript and altered protein product. This variant is expected to result in nonsense mediated decay, truncation, or a dysfunctional protein product. This variant is rare in the general population with a frequency below the threshold expected for the associated phenotype(s). Given the available evidence, this variant is classified as Likely Pathogenic.

NM_000466.3(PEX1):c.2417-1_2417del

Gene: PEX1 (peroxisomal biogenesis factor 1; minus strand). Cytogenetic location: 7q21.2.
Variant type: Deletion.
Coding change: c.2417-1_2417del on transcript NM_000466.3 (MANE Select); the canonical splice acceptor site of the intron before coding-DNA position 2417 through coding-DNA position 2417, 2 bases deleted (GA; older notation c.2417-1_2417delGA).
Molecular consequence: splice acceptor variant.
Genome position (GRCh38, 1-based): chr7:92,501,673-92,501,674, TC deleted on the plus strand (GA on the coding strand, the reverse complement: PEX1 is on the minus strand); deleting any 2 consecutive bases within chr7:92,501,673-92,501,675 gives the same sequence; the c. name uses the placement nearest the transcript's 3' end. VCF-style (leftmost placement, unchanged base first): chr7-92501672-TTC-T. GRCh37 (hg19) VCF-style: chr7-92130986-TTC-T.
Other names: c.2246-1_2246del (NM_001282677.2); c.1793-1_1793del (NM_001282678.2).
Identifiers: ClinVar variation 4818394 (VCV004818394.1).